The following is an entry in ClinVar:

NM_005732.4(RAD50):c.589C>G (p.Gln197Glu)

Gene: RAD50 (RAD50 double strand break repair protein; plus strand). Cytogenetic location: 5q31.1.
Variant type: single nucleotide variant.
Coding change: c.589C>G on transcript NM_005732.4 (MANE Select); coding-DNA position 589, C replaced by G.
Protein change: p.Gln197Glu; replaces glutamine 197 with glutamic acid.
Molecular consequence: missense variant.
Genome position (GRCh38, 1-based): chr5:132,579,899, C>G. VCF-style: chr5-132579899-C-G. GRCh37 (hg19) VCF-style: chr5-131915591-C-G.
Other names: short protein forms Q197E.
Identifiers: ClinVar variation 864399 (VCV000864399.11), dbSNP rs1750473736, ClinGen allele CA360935675.
Genomic context (GRCh38, chr5:132,579,899, plus strand): 5'-ATTTTTGTTTCATATCTTCAAAGATACATTAAAGCCTTAGAAACACTTCGGCAGGTACGT[C>G]AGACACAAGGTCAGAAAGTAAAAGAATATCAAATGGAACTAAAATATCTGAAGCAATATA-3'
Protein context (NP_005723.2, residues 187-207): KALETLRQVR[Gln197Glu]TQGQKVKEYQ

ClinVar aggregate classification (germline): Uncertain significance. Review status: criteria provided, multiple submitters, no conflicts (2 of 4 stars). 2 submissions from 2 submitters: Uncertain significance (2). Last evaluated 2025-10-07.

Conditions:
Hereditary cancer-predisposing syndrome. Also called: Hereditary Cancer Syndrome; Tumor predisposition; Neoplastic Syndromes, Hereditary; Hereditary neoplastic syndrome. Identifiers: Orphanet 140162, MedGen C0027672, MeSH D009386, MONDO:0015356.

Submissions (2):

Ambry Genetics
Classification: Uncertain significance for Hereditary cancer-predisposing syndrome. Last evaluated: 2025-10-07. Review status: criteria provided, single submitter. Criteria: Ambry Variant Classification Scheme 2023. Collection method: clinical testing. Allele origin: germline.
Comment: The p.Q197E variant (also known as c.589C>G), located in coding exon 5 of the RAD50 gene, results from a C to G substitution at nucleotide position 589. The glutamine at codon 197 is replaced by glutamic acid, an amino acid with highly similar properties. This amino acid position is conserved. In addition, this alteration is predicted to be tolerated by in silico analysis. Based on the available evidence, the clinical significance of this variant remains unclear.

Labcorp Genetics (formerly Invitae), Labcorp
Classification: Uncertain significance for Hereditary cancer-predisposing syndrome. Last evaluated: 2019-02-22. Review status: criteria provided, single submitter. Criteria: Invitae Variant Classification Sherloc (09022015). Collection method: clinical testing. Allele origin: germline.
Comment: This sequence change replaces glutamine with glutamic acid at codon 197 of the RAD50 protein (p.Gln197Glu). The glutamine residue is weakly conserved and there is a small physicochemical difference between glutamine and glutamic acid. In summary, the available evidence is currently insufficient to determine the role of this variant in disease. Therefore, it has been classified as a Variant of Uncertain Significance. Algorithms developed to predict the effect of missense changes on protein structure and function (SIFT, PolyPhen-2, Align-GVGD) all suggest that this variant is likely to be tolerated, but these predictions have not been confirmed by published functional studies and their clinical significance is uncertain. This variant has not been reported in the literature in individuals with RAD50-related conditions. This variant is not present in population databases (ExAC no frequency).